The following is an entry in ClinVar:

NM_080732.4(EGLN2):c.815G>A (p.Gly272Asp)

Genes: EGLN2 (egl-9 family hypoxia inducible factor 2; plus strand), RAB4B-EGLN2 (RAB4B-EGLN2 readthrough (NMD candidate); plus strand). Cytogenetic location: 19q13.2.
Variant type: single nucleotide variant.
Coding change: c.815G>A on transcript NM_080732.4 (MANE Select); coding-DNA position 815, G replaced by A.
Protein change: p.Gly272Asp; replaces glycine 272 with aspartic acid.
Molecular consequence: missense variant. On other transcripts: non-coding transcript variant (1).
Genome position (GRCh38, 1-based): chr19:40,801,387, G>A. VCF-style: chr19-40801387-G-A. GRCh37 (hg19) VCF-style: chr19-41307292-G-A.
Other names: c.815G>A, p.Gly272Asp (NM_053046.4); short protein forms G272D.
Identifiers: ClinVar variation 1762217 (VCV001762217.3), dbSNP rs1190910758, ClinGen allele CA405956027.

ClinVar aggregate classification (germline): Uncertain significance (1 of 4 stars; one submission).

Allele frequency attached by ClinVar (database versions not stated): gnomAD exomes 0.00001.
gnomAD v4.1: 7 of 1,608,200 alleles (0.00044%); highest among the groups gnomAD compares: Admixed American, 0.0017%; no homozygotes.

Submission:

Ambry Genetics
Classification: Uncertain significance. Last evaluated: 2023-08-07. Review status: criteria provided, single submitter. Criteria: Ambry Variant Classification Scheme 2023. Collection method: clinical testing. Allele origin: germline.
Comment: The p.G272D variant (also known as c.815G>A), located in coding exon 1 of the EGLN2 gene, results from a G to A substitution at nucleotide position 815. The glycine at codon 272 is replaced by aspartic acid, an amino acid with similar properties. This amino acid position is conserved. In addition, this alteration is predicted to be deleterious by in silico analysis. Since supporting evidence is limited at this time, the clinical significance of this alteration remains unclear.